The following is an entry in ClinVar:

ClinVar aggregate classification (germline): Uncertain significance (1 of 4 stars; one submission).

Conditions:
T-cell immunodeficiency, congenital alopecia, and nail dystrophy. Also called: Congenital alopecia and nail dystrophy associated with severe functional T-cell immunodeficiency; Pignata Guarino syndrome. Identifiers: Orphanet 169095, MedGen C1866426, MONDO:0011132, OMIM 601705.

Allele frequency attached by ClinVar (database versions not stated): gnomAD 0.00001; TOPMed 0.00001; gnomAD exomes 0.00002.
gnomAD v4.1: 31 of 1,613,736 alleles (0.0019%); highest among the groups gnomAD compares: Non-Finnish European, 0.0025%; no homozygotes.

Submission:

Labcorp Genetics (formerly Invitae), Labcorp
Classification: Uncertain significance for T-cell immunodeficiency, congenital alopecia, and nail dystrophy. Last evaluated: 2025-10-01. Review status: criteria provided, single submitter. Criteria: Invitae Variant Classification Sherloc (09022015). Collection method: clinical testing. Allele origin: germline.
Comment: This sequence change replaces serine, which is neutral and polar, with threonine, which is neutral and polar, at codon 569 of the FOXN1 protein (p.Ser569Thr). This variant is not present in population databases (gnomAD no frequency). This variant has not been reported in the literature in individuals affected with FOXN1-related conditions. ClinVar contains an entry for this variant (Variation ID: 2190873). Invitae Evidence Modeling of protein sequence and biophysical properties (such as structural, functional, and spatial information, amino acid conservation, physicochemical variation, residue mobility, and thermodynamic stability) indicates that this missense variant is not expected to disrupt FOXN1 protein function with a negative predictive value of 80%. In summary, the available evidence is currently insufficient to determine the role of this variant in disease. Therefore, it has been classified as a Variant of Uncertain Significance.

NM_001369369.1(FOXN1):c.1705T>A (p.Ser569Thr)

Gene: FOXN1 (forkhead box N1; plus strand). Cytogenetic location: 17q11.2.
Variant type: single nucleotide variant.
Coding change: c.1705T>A on transcript NM_001369369.1 (MANE Select); coding-DNA position 1705, T replaced by A.
Protein change: p.Ser569Thr; replaces serine 569 with threonine.
Molecular consequence: missense variant.
Genome position (GRCh38, 1-based): chr17:28,537,194, T>A. VCF-style: chr17-28537194-T-A. GRCh37 (hg19) VCF-style: chr17-26864212-T-A.
Other names: c.1705T>A, p.Ser569Thr (NM_003593.3); short protein forms S569T.
Identifiers: ClinVar variation 2190873 (VCV002190873.3), dbSNP rs957199100, ClinGen allele CA289121371.